The following is an entry in ClinVar:

NM_000059.4(BRCA2):c.2507C>G (p.Pro836Arg)

Gene: BRCA2 (BRCA2 DNA repair associated; plus strand). Cytogenetic location: 13q13.1.
Variant type: single nucleotide variant.
Coding change: c.2507C>G on transcript NM_000059.4 (MANE Select); coding-DNA position 2507, C replaced by G.
Protein change: p.Pro836Arg; replaces proline 836 with arginine.
Molecular consequence: missense variant. On other transcripts: non-coding transcript variant (1), intron variant (2).
Genome position (GRCh38, 1-based): chr13:32,336,862, C>G. VCF-style: chr13-32336862-C-G. GRCh37 (hg19) VCF-style: chr13-32910999-C-G.
Other names: c.2507C>G, p.Pro836Arg (NM_001406719.1, NM_001406720.1, NM_001432077.1); c.1909+3475C>G (NM_001406721.1); c.424+5832C>G (NM_001406722.1); short protein forms P836R.
Identifiers: ClinVar variation 4802287 (VCV004802287.1).

ClinVar aggregate classification (germline): Uncertain significance (1 of 4 stars; one submission).

Conditions:
Hereditary breast ovarian cancer syndrome. Also called: Hereditary breast and ovarian cancer syndrome (HBOC); Hereditary breast and ovarian cancer; Breast and ovarian cancer; Hereditary breast and/or ovarian cancer syndrome; BRCA1- and BRCA2-Associated Hereditary Breast and Ovarian Cancer; Hereditary breast and ovarian cancer syndrome. Identifiers: Orphanet 145, MedGen C0677776, MeSH D061325, MONDO:0003582. Disease mechanism: loss of function.

Submission:

Labcorp Genetics (formerly Invitae), Labcorp
Classification: Uncertain significance for Hereditary breast ovarian cancer syndrome. Last evaluated: 2025-02-04. Review status: criteria provided, single submitter. Criteria: Invitae Variant Classification Sherloc (09022015). Collection method: clinical testing. Allele origin: germline.
Comment: This sequence change replaces proline, which is neutral and non-polar, with arginine, which is basic and polar, at codon 836 of the BRCA2 protein (p.Pro836Arg). This variant is not present in population databases (gnomAD no frequency). This variant has not been reported in the literature in individuals affected with BRCA2-related conditions. Invitae Evidence Modeling of protein sequence and biophysical properties (such as structural, functional, and spatial information, amino acid conservation, physicochemical variation, residue mobility, and thermodynamic stability) indicates that this missense variant is not expected to disrupt BRCA2 protein function with a negative predictive value of 95%. In summary, the available evidence is currently insufficient to determine the role of this variant in disease. Therefore, it has been classified as a Variant of Uncertain Significance.